The following is an entry in ClinVar:

ClinVar aggregate classification (germline): Likely benign. Review status: criteria provided, single submitter (1 of 4 stars). 2 submissions from 2 submitters: Likely benign (1). 1 of the submissions does not count toward it. Last evaluated 2025-10-16.

Conditions:
Rubinstein-Taybi syndrome due to EP300 haploinsufficiency. Also called: EP300-Related Rubinstein-Taybi Syndrome; RUBINSTEIN-TAYBI SYNDROME 2. Identifiers: Orphanet 353284, Orphanet 783, MedGen C3150941, MONDO:0013364, OMIM 613684.
EP300-related disorder. Also called: EP300-related condition; EP300-related disorders.

Allele frequency attached by ClinVar (database versions not stated): gnomAD exomes 0.00004 and 0.00005; ExAC 0.00005; 1000 Genomes Project 30x 0.00016; gnomAD 0.00016; 1000 Genomes Project 0.00020; TOPMed 0.00020; ESP Exome Variant Server 0.00038.
gnomAD v4.1: 85 of 1,612,152 alleles (0.0053%); highest among the groups gnomAD compares: African/African-American, 0.029%; no homozygotes.

Submissions (2):

Labcorp Genetics (formerly Invitae), Labcorp
Classification: Likely benign for Rubinstein-Taybi syndrome due to EP300 haploinsufficiency. Last evaluated: 2025-10-16. Review status: criteria provided, single submitter. Criteria: Invitae Variant Classification Sherloc (09022015). Collection method: clinical testing. Allele origin: germline.

PreventionGenetics, part of Exact Sciences
Classification: Likely benign for EP300-related condition. Last evaluated: 2021-11-16. Review status: no assertion criteria provided. Collection method: clinical testing. Allele origin: germline. Not counted in ClinVar's aggregate classification.
Comment: This variant is classified as likely benign based on ACMG/AMP sequence variant interpretation guidelines (Richards et al. 2015 PMID: 25741868, with internal and published modifications).

NM_001429.4(EP300):c.2765C>T (p.Ala922Val)

Gene: EP300 (EP300 lysine acetyltransferase; plus strand). Cytogenetic location: 22q13.2.
Variant type: single nucleotide variant.
Coding change: c.2765C>T on transcript NM_001429.4 (MANE Select); coding-DNA position 2765, C replaced by T.
Protein change: p.Ala922Val; replaces alanine 922 with valine.
Molecular consequence: missense variant.
Genome position (GRCh38, 1-based): chr22:41,150,146, C>T. VCF-style: chr22-41150146-C-T. GRCh37 (hg19) VCF-style: chr22-41546150-C-T.
Other names: c.2687C>T, p.Ala896Val (NM_001362843.2); c.2765C>T (NM_001429.3); short protein forms A896V, A922V.
Identifiers: ClinVar variation 1641824 (VCV001641824.11), dbSNP rs150389014, ClinGen allele CA10252938.